The following is an entry in ClinVar:

ClinVar aggregate classification (germline): Uncertain significance. Review status: criteria provided, multiple submitters, no conflicts (2 of 4 stars). 2 submissions from 2 submitters: Uncertain significance (2). Last evaluated 2023-11-04.

Conditions:
Autosomal recessive limb-girdle muscular dystrophy type 2Q (LGMDR17). Also called: MUSCULAR DYSTROPHY, LIMB-GIRDLE, AUTOSOMAL RECESSIVE 17. Identifiers: Orphanet 254361, MedGen C3150989, MONDO:0013390, OMIM 613723.
Epidermolysis bullosa simplex 5B, with muscular dystrophy (EBS5B). Also called: EPIDERMOLYSIS BULLOSA SIMPLEX AND LIMB-GIRDLE MUSCULAR DYSTROPHY; Epidermolysis bullosa simplex with muscular dystrophy. Identifiers: Orphanet 257, MedGen C2931072, MONDO:0009181, OMIM 226670.
Epidermolysis bullosa simplex, Ogna type (EBS5A). Also called: Pidermolysis bullosa simplex 5A, Ogna type; EPIDERMOLYSIS BULLOSA SIMPLEX 5A, OGNA TYPE. Identifiers: Orphanet 79401, MedGen C0432317, MONDO:0007555, OMIM 131950.
Epidermolysis bullosa simplex with nail dystrophy (EBS5D). Identifiers: MedGen C4225309, MONDO:0014661, OMIM 616487.
Epidermolysis bullosa simplex 5C, with pyloric atresia (EBS5C). Also called: Epidermolysis bullosa simplex with pyloric atresia; PLEC1-Related Epidermolysis Bullosa with Pyloric Atresia; PLEC-Related Epidermolysis Bullosa with Pyloric Atresia. Identifiers: Orphanet 158684, MedGen C2677349, MONDO:0012807, OMIM 612138.
Inborn genetic diseases. Identifiers: MedGen C0950123, MeSH D030342.

Allele frequency attached by ClinVar (database versions not stated): gnomAD exomes 0.00001 and 0.00002; gnomAD 0.00002; TOPMed 0.00002; ExAC 0.00003.
gnomAD v4.1: 13 of 1,612,026 alleles (0.00081%); highest among the groups gnomAD compares: East Asian, 0.016%; no homozygotes.

Submissions (2):

Labcorp Genetics (formerly Invitae), Labcorp
Classification: Uncertain significance for Autosomal recessive limb-girdle muscular dystrophy type 2Q; Epidermolysis bullosa simplex, Ogna type; Epidermolysis bullosa simplex with nail dystrophy; Epidermolysis bullosa simplex 5C, with pyloric atresia; Epidermolysis bullosa simplex 5B, with muscular dystrophy. Last evaluated: 2023-11-04. Review status: criteria provided, single submitter. Criteria: Invitae Variant Classification Sherloc (09022015). Collection method: clinical testing. Allele origin: germline.
Comment: This sequence change replaces glutamic acid, which is acidic and polar, with glycine, which is neutral and non-polar, at codon 2713 of the PLEC protein (p.Glu2713Gly). This variant is present in population databases (rs781866441, gnomAD 0.03%). This variant has not been reported in the literature in individuals affected with PLEC-related conditions. ClinVar contains an entry for this variant (Variation ID: 1482604). An algorithm developed to predict the effect of missense changes on protein structure and function (PolyPhen-2) suggests that this variant is likely to be tolerated. In summary, the available evidence is currently insufficient to determine the role of this variant in disease. Therefore, it has been classified as a Variant of Uncertain Significance.

Ambry Genetics
Classification: Uncertain significance for Inborn genetic diseases. Last evaluated: 2023-05-23. Review status: criteria provided, single submitter. Criteria: Ambry Variant Classification Scheme 2023. Collection method: clinical testing. Allele origin: germline.

NM_201384.3(PLEC):c.8057A>G (p.Glu2686Gly)

Gene: PLEC (plectin; minus strand). Cytogenetic location: 8q24.3.
Variant type: single nucleotide variant.
Coding change: c.8057A>G on transcript NM_201384.3 (MANE Select); coding-DNA position 8057, A replaced by G.
Protein change: p.Glu2686Gly; replaces glutamic acid 2686 with glycine.
Molecular consequence: missense variant.
Genome position (GRCh38, 1-based): chr8:143,921,764, T>C on the plus strand (A>G on the coding strand, the complement: PLEC is on the minus strand). VCF-style: chr8-143921764-T-C. GRCh37 (hg19) VCF-style: chr8-144995932-T-C.
Other names: c.8138A>G, p.Glu2713Gly (NM_000445.5); c.8015A>G, p.Glu2672Gly (NM_201378.4); c.7991A>G, p.Glu2664Gly (NM_201379.3); c.8468A>G, p.Glu2823Gly (NM_201380.4); c.7961A>G, p.Glu2654Gly (NM_201381.3); c.8057A>G, p.Glu2686Gly (NM_201382.4); c.8069A>G, p.Glu2690Gly (NM_201383.3); c.8138A>G (NM_000445.3); short protein forms E2664G, E2654G, E2672G, E2690G, E2823G, E2686G, E2713G.
Identifiers: ClinVar variation 1482604 (VCV001482604.8), dbSNP rs781866441, ClinGen allele CA4925434.
Genomic context (GRCh38, chr8:143,921,764, plus strand): 5'-GTGGCCTTCAGCAACAGCCCTGCGATACTGCTGCGGCCCTGCAGGTAGTGGCGCACGTCT[T>C]CCCGCCGTGCGAGCTCGTCCACCGTGGTGTGGCCCTGCGCCAACCGCTGCAGCTCCTCCG-3'
Protein context (NP_958786.1, residues 2676-2696): HTTVDELARR[Glu2686Gly]DVRHYLQGRS